The following is an entry in ClinVar:

NM_017780.4(CHD7):c.1630C>T (p.Pro544Ser)

Gene: CHD7 (chromodomain helicase DNA binding protein 7; plus strand). Cytogenetic location: 8q12.2.
Variant type: single nucleotide variant.
Coding change: c.1630C>T on transcript NM_017780.4 (MANE Select); coding-DNA position 1630, C replaced by T.
Protein change: p.Pro544Ser; replaces proline 544 with serine.
Molecular consequence: missense variant.
Genome position (GRCh38, 1-based): chr8:60,743,062, C>T. VCF-style: chr8-60743062-C-T. GRCh37 (hg19) VCF-style: chr8-61655621-C-T.
Other names: c.1630C>T, p.Pro544Ser (NM_001316690.1); short protein forms P544S.
Identifiers: ClinVar variation 1776821 (VCV001776821.3), dbSNP rs1809138542, ClinGen allele CA371303766.
Genomic context (GRCh38, chr8:60,743,062, plus strand): 5'-CACCACCAGTCTTCACCTCCACACCCTCATCACCAGCCTTGGGCACAGCTCCACCCATCA[C>T]CCCAGAACACCCCGCAGAAAGTGCCTGTGCATCAGGTAAGGGGACACAGAGCCTACCTCT-3'
Protein context (NP_060250.2, residues 534-554): HQPWAQLHPS[Pro544Ser]QNTPQKVPVH

ClinVar aggregate classification (germline): Uncertain significance. Review status: criteria provided, multiple submitters, no conflicts (2 of 4 stars). 2 submissions from 2 submitters: Uncertain significance (2). Last evaluated 2024-06-26.

Conditions:
Inborn genetic diseases. Identifiers: MedGen C0950123, MeSH D030342.

Allele frequency attached by ClinVar (database versions not stated): gnomAD 0.00001.
gnomAD v4.1: 2 of 1,613,790 alleles (0.00012%); highest among the groups gnomAD compares: Non-Finnish European, 0.00017%; no homozygotes.

Submissions (2):

GeneDx
Classification: Uncertain significance. Last evaluated: 2024-06-26. Review status: criteria provided, single submitter. Criteria: GeneDx Variant Classification Process June 2021. Collection method: clinical testing. Allele origin: germline. Affected: yes.
Comment: Not observed at significant frequency in large population cohorts (gnomAD); In silico analysis indicates that this missense variant does not alter protein structure/function; Has not been previously published as pathogenic or benign to our knowledge

Ambry Genetics
Classification: Uncertain significance for Inborn genetic diseases. Last evaluated: 2018-06-29. Review status: criteria provided, single submitter. Criteria: Ambry Variant Classification Scheme 2023. Collection method: clinical testing. Allele origin: germline.
Comment: The p.P544S variant (also known as c.1630C>T), located in coding exon 1 of the CHD7 gene, results from a C to T substitution at nucleotide position 1630. The proline at codon 544 is replaced by serine, an amino acid with similar properties. This amino acid position is highly conserved in available vertebrate species. In addition, the in silico prediction for this alteration is inconclusive. Since supporting evidence is limited at this time, the clinical significance of this alteration remains unclear.